The following is an entry in ClinVar:

ClinVar aggregate classification (germline): Uncertain significance (1 of 4 stars; one submission).

Allele frequency attached by ClinVar (database versions not stated): TOPMed below 0.00001; gnomAD 0.00001; gnomAD exomes 0.00001.
gnomAD v4.1: 9 of 1,614,002 alleles (0.00056%); highest among the groups gnomAD compares: South Asian, 0.0033%; no homozygotes.

Submission:

Labcorp Genetics (formerly Invitae), Labcorp
Classification: Uncertain significance. Last evaluated: 2023-08-17. Review status: criteria provided, single submitter. Criteria: Invitae Variant Classification Sherloc (09022015). Collection method: clinical testing. Allele origin: germline.
Comment: In summary, the available evidence is currently insufficient to determine the role of this variant in disease. Therefore, it has been classified as a Variant of Uncertain Significance. An algorithm developed to predict the effect of missense changes on protein structure and function (PolyPhen-2) suggests that this variant is likely to be disruptive. ClinVar contains an entry for this variant (Variation ID: 1486235). This variant has not been reported in the literature in individuals affected with CCDC88A-related conditions. This variant is present in population databases (no rsID available, gnomAD 0.004%). This sequence change replaces arginine, which is basic and polar, with histidine, which is basic and polar, at codon 1803 of the CCDC88A protein (p.Arg1803His).

NM_001365480.1(CCDC88A):c.5411G>A (p.Arg1804His)

Gene: CCDC88A (coiled-coil and HOOK domain protein 88A; minus strand). Cytogenetic location: 2p16.1.
Variant type: single nucleotide variant.
Coding change: c.5411G>A on transcript NM_001365480.1 (MANE Select); coding-DNA position 5411, G replaced by A.
Protein change: p.Arg1804His; replaces arginine 1804 with histidine.
Molecular consequence: missense variant. On other transcripts: intron variant (1).
Genome position (GRCh38, 1-based): chr2:55,295,737, C>T on the plus strand (G>A on the coding strand, the complement: CCDC88A is on the minus strand). VCF-style: chr2-55295737-C-T. GRCh37 (hg19) VCF-style: chr2-55522873-C-T.
Other names: c.5408G>A, p.Arg1803His (NM_001135597.2); c.5327G>A, p.Arg1776His (NM_018084.5); c.5196-10G>A (NM_001254943.2); short protein forms R1804H, R1803H, R1776H.
Identifiers: ClinVar variation 1486235 (VCV001486235.6), dbSNP rs1464093756, ClinGen allele CA346911542.